The following is an entry in ClinVar:

NM_001161352.2(KCNMA1):c.1795A>G (p.Asn599Asp)

Gene: KCNMA1 (potassium calcium-activated channel subfamily M alpha 1; minus strand). Cytogenetic location: 10q22.3.
Variant type: single nucleotide variant.
Coding change: c.1795A>G on transcript NM_001161352.2 (MANE Select); coding-DNA position 1795, A replaced by G.
Protein change: p.Asn599Asp; replaces asparagine 599 with aspartic acid.
Molecular consequence: missense variant.
Genome position (GRCh38, 1-based): chr10:77,039,592, T>C on the plus strand (A>G on the coding strand, the complement: KCNMA1 is on the minus strand). VCF-style: chr10-77039592-T-C. GRCh37 (hg19) VCF-style: chr10-78799350-T-C.
Other names: c.1795A>G, p.Asn599Asp (NM_001014797.3, NM_001161353.2, NM_001271519.2 and 8 more transcripts); c.1633A>G, p.Asn545Asp (NM_001271518.2); c.1255A>G, p.Asn419Asp (NM_001322838.2); short protein forms N419D, N545D, N599D.
Identifiers: ClinVar variation 1945087 (VCV001945087.5), dbSNP rs140520584, ClinGen allele CA5568342.

ClinVar aggregate classification (germline): Uncertain significance (1 of 4 stars; one submission).

Conditions:
Generalized epilepsy-paroxysmal dyskinesia syndrome (PNKD3). Also called: Paroxysmal nonkinesigenic dyskinesia, 3, with or without generalized epilepsy; Generalized epilepsy and paroxysmal dyskinesia. Identifiers: Orphanet 79137, MedGen C5574945, MONDO:0012276, OMIM 609446.

Allele frequency attached by ClinVar (database versions not stated): gnomAD exomes below 0.00001; gnomAD 0.00001; TOPMed 0.00001; ExAC 0.00002.
gnomAD v4.1: 4 of 1,612,538 alleles (0.00025%); highest among the groups gnomAD compares: Admixed American, 0.005%; no homozygotes.

Submission:

Labcorp Genetics (formerly Invitae), Labcorp
Classification: Uncertain significance for Generalized epilepsy-paroxysmal dyskinesia syndrome. Last evaluated: 2024-05-15. Review status: criteria provided, single submitter. Criteria: Invitae Variant Classification Sherloc (09022015). Collection method: clinical testing. Allele origin: germline.
Comment: This sequence change replaces asparagine, which is neutral and polar, with aspartic acid, which is acidic and polar, at codon 599 of the KCNMA1 protein (p.Asn599Asp). This variant is present in population databases (rs140520584, gnomAD 0.006%). This variant has not been reported in the literature in individuals affected with KCNMA1-related conditions. ClinVar contains an entry for this variant (Variation ID: 1945087). Advanced modeling of protein sequence and biophysical properties (such as structural, functional, and spatial information, amino acid conservation, physicochemical variation, residue mobility, and thermodynamic stability) performed at Invitae indicates that this missense variant is expected to disrupt KCNMA1 protein function with a positive predictive value of 80%. In summary, the available evidence is currently insufficient to determine the role of this variant in disease. Therefore, it has been classified as a Variant of Uncertain Significance.